The following is an entry in ClinVar:

NM_001854.4(COL11A1):c.781-380C>A

Gene: COL11A1 (collagen type XI alpha 1 chain; minus strand). Cytogenetic location: 1p21.1.
Variant type: single nucleotide variant.
Coding change: c.781-380C>A on transcript NM_001854.4 (MANE Select); 380 bases into the intron before coding-DNA position 781, C replaced by A.
Molecular consequence: intron variant.
Genome position (GRCh38, 1-based): chr1:103,026,712, G>T on the plus strand (C>A on the coding strand, the complement: COL11A1 is on the minus strand). VCF-style: chr1-103026712-G-T. GRCh37 (hg19) VCF-style: chr1-103492268-G-T.
Other names: c.781-1099C>A (NM_001190709.2); c.781-760C>A (NM_080629.3); c.781-380C>A (NM_080630.4).
Identifiers: ClinVar variation 681261 (VCV000681261.1), dbSNP rs77847487, ClinGen allele CA16062701.

ClinVar aggregate classification (germline): Benign (1 of 4 stars; one submission).

Allele frequency attached by ClinVar (database versions not stated): TOPMed 0.07759; 1000 Genomes Project 0.07927; gnomAD 0.07961 and 0.08026; 1000 Genomes Project 30x 0.08089.
gnomAD v4.1: 12,029 of 151,968 alleles (7.9%); highest among the groups gnomAD compares: Middle Eastern, 15%; 531 homozygotes.

Submission:

GeneDx
Classification: Benign. Last evaluated: 2018-06-14. Review status: criteria provided, single submitter. Criteria: GeneDx Variant Classification (06012015). Collection method: clinical testing. Allele origin: germline. Affected: yes.
Comment: This variant is considered likely benign or benign based on one or more of the following criteria: it is a conservative change, it occurs at a poorly conserved position in the protein, it is predicted to be benign by multiple in silico algorithms, and/or has population frequency not consistent with disease.